The following is an entry in ClinVar:

ClinVar aggregate classification (germline): Pathogenic/Likely pathogenic. Review status: criteria provided, multiple submitters, no conflicts (2 of 4 stars). 2 submissions from 2 submitters: Pathogenic (1); Likely pathogenic (1). Last evaluated 2026-01-30.

Conditions:
Autosomal dominant polycystic kidney disease. Identifiers: Orphanet 730, MedGen C0085413, MONDO:0004691.

Allele frequency attached by ClinVar (database versions not stated): gnomAD exomes below 0.00001 and 0.00001; TOPMed below 0.00001.

Submissions (2):

Mayo Translational Polycystic Kidney Disease Center, Mayo Clinic
Classification: Pathogenic for Autosomal dominant polycystic kidney disease. Last evaluated: 2026-01-30. Review status: criteria provided, single submitter. Criteria: ACMG Guidelines, 2015. Collection method: research. Allele origin: germline. Inheritance: Autosomal dominant inheritance. Affected: yes.
Comment: The c.400del variant in the DNAJB11 gene results in a frameshift starting at codon 134, leading to a premature stop codon three amino acids downstream (p.Ile134LeufsTer3). This alteration is predicted to produce a truncated protein and is consistent with loss of function, which is a known mechanism of disease for DNAJB11. Therefore, this variant meets the PVS1 criterion. The variant is extremely rare, with an allele frequency of less than 0.01% in population databases such as gnomAD v4.1.0, supporting PM2. Additionally, the variant has been identified in affected individuals from multiple families with polycystic kidney and/or liver disease, sometimes with end-stage renal disease, providing clinical correlation with the associated phenotype and supporting PP4 (PMID: 32631624). Given the established gene–disease relationship, the variant’s rarity, and its deleterious molecular consequence, this variant is best classified as pathogenic.

Molecular Genetics of Inherited Kidney Disorders Laboratory, Garvan Institute of Medical Research
Classification: Likely pathogenic. Last evaluated: 2019-01-01. Review status: criteria provided, single submitter. Criteria: ACMG Guidelines, 2015. Collection method: clinical testing. Allele origin: germline. Affected: yes.

Literature cited by the submitters: PubMed 32631624 (cited by Mayo Translational Polycystic Kidney Disease Center, Mayo Clinic).

NM_016306.6(DNAJB11):c.400del (p.Ile134fs)

Gene: DNAJB11 (DnaJ heat shock protein family (Hsp40) member B11; plus strand). Cytogenetic location: 3q27.3.
Variant type: Deletion.
Coding change: c.400del on transcript NM_016306.6 (MANE Select); coding-DNA position 400, one base deleted (A; older notation c.400delA).
Protein change: p.Ile134fs; shifts the reading frame from isoleucine 134.
Molecular consequence: frameshift variant. On other transcripts: non-coding transcript variant (5), intron variant (1).
Genome position (GRCh38, 1-based): chr3:186,577,744, A deleted. VCF-style (leftmost placement, unchanged base first): chr3-186577743-TA-T. GRCh37 (hg19) VCF-style: chr3-186295532-TA-T.
Other names: c.323+1807del (NM_001378451.1); c.400del (NM_016306.4); short protein forms I134fs.
Identifiers: ClinVar variation 972827 (VCV000972827.1), dbSNP rs1169192999, ClinGen allele CA548455078.
Genomic context (GRCh38, chr3:186,577,743, plus strand): 5'-TGGTTTCATGTTTGGAGGAACCCCTCGTCAGCAAGACAGAAATATTCCAAGAGGAAGTGA[TA>T]TTATTGTAGATCTAGAAGTCACTTTGGAAGAAGTATATGCAGGAAATTTTGTGGAAGTAA-3'